The following is an entry in ClinVar:

NM_014141.6(CNTNAP2):c.3272T>C (p.Leu1091Pro)

Gene: CNTNAP2 (contactin associated protein 2; plus strand). Cytogenetic location: 7q36.1.
Variant type: single nucleotide variant.
Coding change: c.3272T>C on transcript NM_014141.6 (MANE Select); coding-DNA position 3272, T replaced by C.
Protein change: p.Leu1091Pro; replaces leucine 1091 with proline.
Molecular consequence: missense variant.
Genome position (GRCh38, 1-based): chr7:148,229,670, T>C. VCF-style: chr7-148229670-T-C. GRCh37 (hg19) VCF-style: chr7-147926762-T-C.
Other names: short protein forms L1091P.
Identifiers: ClinVar variation 1052325 (VCV001052325.9), dbSNP rs2116779011, ClinGen allele CA369929613.

ClinVar aggregate classification (germline): Uncertain significance (1 of 4 stars; one submission).

Conditions:
Cortical dysplasia-focal epilepsy syndrome (PTHSL1). Also called: Pitt-Hopkins-like syndrome 1. Identifiers: Orphanet 163681, Orphanet 221150, MedGen C2750246, MONDO:0012400, OMIM 610042.

Submission:

Labcorp Genetics (formerly Invitae), Labcorp
Classification: Uncertain significance for Cortical dysplasia-focal epilepsy syndrome. Last evaluated: 2022-02-04. Review status: criteria provided, single submitter. Criteria: Invitae Variant Classification Sherloc (09022015). Collection method: clinical testing. Allele origin: germline.
Comment: This sequence change replaces leucine, which is neutral and non-polar, with proline, which is neutral and non-polar, at codon 1091 of the CNTNAP2 protein (p.Leu1091Pro). This variant is not present in population databases (gnomAD no frequency). This variant has not been reported in the literature in individuals affected with CNTNAP2-related conditions. ClinVar contains an entry for this variant (Variation ID: 1052325). Algorithms developed to predict the effect of missense changes on protein structure and function (SIFT, PolyPhen-2, Align-GVGD) all suggest that this variant is likely to be disruptive. In summary, the available evidence is currently insufficient to determine the role of this variant in disease. Therefore, it has been classified as a Variant of Uncertain Significance.